The following is an entry in ClinVar:

ClinVar aggregate classification (germline): Pathogenic (1 of 4 stars; one submission).

Submission:

Labcorp Genetics (formerly Invitae), Labcorp
Classification: Pathogenic. Last evaluated: 2023-09-15. Review status: criteria provided, single submitter. Criteria: Invitae Variant Classification Sherloc (09022015). Collection method: clinical testing. Allele origin: germline.
Comment: For these reasons, this variant has been classified as Pathogenic. This variant has not been reported in the literature in individuals affected with ESCO2-related conditions. This variant is not present in population databases (gnomAD no frequency). This sequence change creates a premature translational stop signal (p.Gln167*) in the ESCO2 gene. It is expected to result in an absent or disrupted protein product. Loss-of-function variants in ESCO2 are known to be pathogenic (PMID: 15821733, 16380922).

Literature cited by the submitters: PubMed 15821733; PubMed 16380922.

NM_001017420.3(ESCO2):c.499C>T (p.Gln167Ter)

Gene: ESCO2 (establishment of sister chromatid cohesion N-acetyltransferase 2; plus strand). Cytogenetic location: 8p21.1.
Variant type: single nucleotide variant.
Coding change: c.499C>T on transcript NM_001017420.3 (MANE Select); coding-DNA position 499, C replaced by T.
Protein change: p.Gln167Ter; replaces glutamine 167 with a stop codon.
Molecular consequence: nonsense.
Genome position (GRCh38, 1-based): chr8:27,776,807, C>T. VCF-style: chr8-27776807-C-T. GRCh37 (hg19) VCF-style: chr8-27634324-C-T.
Other names: short protein forms Q167*.
Identifiers: ClinVar variation 2760838 (VCV002760838.3), dbSNP rs2486628020, ClinGen allele CA370818404.